The following is an entry in ClinVar:

ClinVar aggregate classification (germline): Pathogenic. Review status: criteria provided, multiple submitters, no conflicts (2 of 4 stars). 5 submissions from 5 submitters: Pathogenic (4). 1 of the submissions does not count toward it. Last evaluated 2026-08-03.

Conditions:
SAMD9-related disorder. Also called: SAMD9-related condition.
MIRAGE syndrome. Also called: MYELODYSPLASIA, INFECTION, RESTRICTION OF GROWTH, ADRENAL HYPOPLASIA, GENITAL PHENOTYPES, AND ENTEROPATHY. Identifiers: Orphanet 494433, MedGen C4284088, MONDO:0014888, OMIM 617053.

Submissions (5):

PreventionGenetics, part of Exact Sciences
Classification: Pathogenic for SAMD9-related condition. Last evaluated: 2026-08-03. Review status: criteria provided, single submitter. Criteria: ACMG Guidelines, 2015. Collection method: clinical testing. Allele origin: germline.
Comment: The SAMD9 c.3877C>T variant is predicted to result in the amino acid substitution p.Arg1293Trp. This variant was reported as a de novo variant in two unrelated individuals with MIRAGE (myelodysplasia, infection, restriction of growth, adrenal hypoplasia, genital phenotypes, and enteropathy) syndrome, and functional studies indicate that this variant profoundly inhibits cell growth compared to wildtype (Narumi et al. 2016. PubMed ID: 27182967). An alternate missense variant at the same amino acid residue, p.Arg1293Gln, has been reported in several individuals with MIRAGE syndrome (Jeffries et al. 2017. PubMed ID: 29266745; Baquedano-Lobera et al. 2021. PubMed ID: 33427306; Table S6 in Sahoo et al. 2021. PubMed ID: 34621053). This variant has not been reported in a large population database (gnomAD), indicating this variant is rare. Taken together, this variant is interpreted as pathogenic.

CeGaT Center for Human Genetics Tuebingen
Classification: Pathogenic. Last evaluated: 2024-11-01. Review status: criteria provided, single submitter. Criteria: CeGaT Center For Human Genetics Tuebingen Variant Classification Criteria Version 2. Collection method: clinical testing. Allele origin: germline. Affected: yes. Observed: 1 variant allele.
Comment: SAMD9: PS2, PM2, PM5, PS4:Moderate, PS3:Supporting, BP4

GeneDx
Classification: Pathogenic. Last evaluated: 2023-04-26. Review status: criteria provided, single submitter. Criteria: GeneDx Variant Classification Process June 2021. Collection method: clinical testing. Allele origin: germline. Affected: yes.
Comment: Not observed at significant frequency in large population cohorts (gnomAD); In silico analysis supports that this missense variant does not alter protein structure/function; This variant is associated with the following publications: (PMID: 35046037, 33423168, 27182967, 28346228, 29266745)

Dubai Health Genomic Medicine Center, Dubai Health
Classification: Pathogenic. Last evaluated: 2022-12-17. Review status: criteria provided, single submitter. Criteria: ACMG Guidelines, 2015. Collection method: clinical testing. Allele origin: germline. Affected: yes.

OMIM
Classification: Pathogenic for MIRAGE SYNDROME. Last evaluated: 2020-12-10. Review status: no assertion criteria provided. Collection method: literature only. Allele origin: germline. Not counted in ClinVar's aggregate classification.

Literature cited by the submitters: PubMed 27182967 (cited by OMIM).

NM_017654.4(SAMD9):c.3877C>T (p.Arg1293Trp)

Gene: SAMD9 (sterile alpha motif domain containing 9; minus strand). Cytogenetic location: 7q21.2.
Variant type: single nucleotide variant.
Coding change: c.3877C>T on transcript NM_017654.4 (MANE Select); coding-DNA position 3877, C replaced by T.
Protein change: p.Arg1293Trp; replaces arginine 1293 with tryptophan.
Molecular consequence: missense variant.
Genome position (GRCh38, 1-based): chr7:93,102,221, G>A on the plus strand (C>T on the coding strand, the complement: SAMD9 is on the minus strand). VCF-style: chr7-93102221-G-A. GRCh37 (hg19) VCF-style: chr7-92731534-G-A.
Other names: c.3877C>T, p.Arg1293Trp (NM_001193307.2); short protein forms R1293W.
Identifiers: ClinVar variation 253153 (VCV000253153.19), dbSNP rs1584251938, ClinGen allele CA368182017.